The following is an entry in ClinVar:

ClinVar aggregate classification (germline): Conflicting classifications of pathogenicity. Review status: criteria provided, conflicting classifications (1 of 4 stars). 2 submissions from 2 submitters: Uncertain significance (1); Likely benign (1). Last evaluated 2023-07-07.

Allele frequency attached by ClinVar (database versions not stated): gnomAD exomes below 0.00001.
gnomAD v4.1: 1 of 1,614,156 alleles (0.000062%); highest among the groups gnomAD compares: Admixed American, 0.0017%; no homozygotes.

Submissions (2):

Labcorp Genetics (formerly Invitae), Labcorp
Classification: Likely benign. Last evaluated: 2023-07-07. Review status: criteria provided, single submitter. Criteria: Invitae Variant Classification Sherloc (09022015). Collection method: clinical testing. Allele origin: germline.

GeneDx
Classification: Uncertain significance. Last evaluated: 2023-01-04. Review status: criteria provided, single submitter. Criteria: GeneDx Variant Classification Process June 2021. Collection method: clinical testing. Allele origin: germline. Affected: yes.
Comment: In silico analysis supports that this missense variant does not alter protein structure/function; Has not been previously published as pathogenic or benign to our knowledge

NM_022455.5(NSD1):c.3664A>G (p.Asn1222Asp)

Gene: NSD1 (nuclear receptor binding SET domain protein 1; plus strand). Cytogenetic location: 5q35.3.
Variant type: single nucleotide variant.
Coding change: c.3664A>G on transcript NM_022455.5 (MANE Select); coding-DNA position 3664, A replaced by G.
Protein change: p.Asn1222Asp; replaces asparagine 1222 with aspartic acid.
Molecular consequence: missense variant.
Genome position (GRCh38, 1-based): chr5:177,212,063, A>G. VCF-style: chr5-177212063-A-G. GRCh37 (hg19) VCF-style: chr5-176639064-A-G.
Other names: c.2791A>G, p.Asn931Asp (NM_001365684.2, NM_001409306.1, NM_001409307.1 and 3 more transcripts); c.3664A>G, p.Asn1222Asp (NM_001409301.1, NM_001409302.1, NM_001409303.1); c.3244A>G, p.Asn1082Asp (NM_001409304.1); c.2911A>G, p.Asn971Asp (NM_001409305.1); short protein forms N1082D, N931D, N1222D, N971D, N953D.
Identifiers: ClinVar variation 2179245 (VCV002179245.5), dbSNP rs1237230298, ClinGen allele CA362326867.